The following is an entry in ClinVar:

ClinVar aggregate classification (germline): Conflicting classifications of pathogenicity. Review status: criteria provided, conflicting classifications (1 of 4 stars). 2 submissions from 2 submitters: Uncertain significance (1); Likely benign (1). Last evaluated 2024-01-04.

Submissions (2):

Labcorp Genetics (formerly Invitae), Labcorp
Classification: Uncertain significance. Last evaluated: 2024-01-04. Review status: criteria provided, single submitter. Criteria: Invitae Variant Classification Sherloc (09022015). Collection method: clinical testing. Allele origin: germline.
Comment: This sequence change replaces isoleucine, which is neutral and non-polar, with valine, which is neutral and non-polar, at codon 382 of the BUB1 protein (p.Ile382Val). This variant is not present in population databases (gnomAD no frequency). This variant has not been reported in the literature in individuals affected with BUB1-related conditions. ClinVar contains an entry for this variant (Variation ID: 2586149). Algorithms developed to predict the effect of missense changes on protein structure and function output the following: SIFT: "Not Available"; PolyPhen-2: "Not Available"; Align-GVGD: "Not Available". The valine amino acid residue is found in multiple mammalian species, which suggests that this missense change does not adversely affect protein function. In summary, the available evidence is currently insufficient to determine the role of this variant in disease. Therefore, it has been classified as a Variant of Uncertain Significance.

Ambry Genetics
Classification: Likely benign. Last evaluated: 2023-07-09. Review status: criteria provided, single submitter. Criteria: Ambry Variant Classification Scheme 2023. Collection method: clinical testing. Allele origin: germline.

NM_004336.5(BUB1):c.1144A>G (p.Ile382Val)

Gene: BUB1 (BUB1 mitotic checkpoint serine/threonine kinase; minus strand). Cytogenetic location: 2q13.
Variant type: single nucleotide variant.
Coding change: c.1144A>G on transcript NM_004336.5 (MANE Select); coding-DNA position 1144, A replaced by G.
Protein change: p.Ile382Val; replaces isoleucine 382 with valine.
Molecular consequence: missense variant.
Genome position (GRCh38, 1-based): chr2:110,661,655, T>C on the plus strand (A>G on the coding strand, the complement: BUB1 is on the minus strand). VCF-style: chr2-110661655-T-C. GRCh37 (hg19) VCF-style: chr2-111419232-T-C.
Other names: c.1084A>G, p.Ile362Val (NM_001278616.2); c.1144A>G, p.Ile382Val (NM_001278617.2); short protein forms I362V, I382V.
Identifiers: ClinVar variation 2586149 (VCV002586149.5), dbSNP rs2468017329, ClinGen allele CA348214319.